The following is an entry in ClinVar:

ClinVar aggregate classification (germline): Uncertain significance (1 of 4 stars; one submission).

Submission:

Dasa
Classification: Uncertain significance. Last evaluated: 2025-09-09. Review status: criteria provided, single submitter. Criteria: DASA Assertion Criteria. Collection method: clinical testing. Allele origin: germline.
Comment: NM_003998.4(NFKB1):c.2337G>A (p.Met779Ile) is a missense variant that results in the substitution of methionine with isoleucine. This variant is rare in population databases. Computational prediction algorithms are consistent with a benign effect. The currently available literature and clinical evidence are not sufficient to establish a definitive association between this variant and the reported condition. Therefore, this variant is classified as a variant of uncertain significance.

NM_003998.4(NFKB1):c.2337G>A (p.Met779Ile)

Gene: NFKB1 (nuclear factor kappa B subunit 1; plus strand). Cytogenetic location: 4q24.
Variant type: single nucleotide variant.
Coding change: c.2337G>A on transcript NM_003998.4 (MANE Select); coding-DNA position 2337, G replaced by A.
Protein change: p.Met779Ile; replaces methionine 779 with isoleucine.
Molecular consequence: missense variant.
Genome position (GRCh38, 1-based): chr4:102,610,684, G>A. VCF-style: chr4-102610684-G-A. GRCh37 (hg19) VCF-style: chr4-103531841-G-A.
Other names: c.2334G>A, p.Met778Ile (NM_001165412.2, NM_001319226.2, NM_001382627.1); c.2337G>A, p.Met779Ile (NM_001382625.1, NM_001382626.1); c.2295G>A, p.Met765Ile (NM_001382628.1); short protein forms M765I, M778I, M779I.
Identifiers: ClinVar variation 4881001 (VCV004881001.2).